The following is an entry in ClinVar:

NM_003722.5(TP63):c.796C>T (p.Arg266Ter)

Gene: TP63 (tumor protein p63; plus strand). Cytogenetic location: 3q28.
Variant type: single nucleotide variant.
Coding change: c.796C>T on transcript NM_003722.5 (MANE Select); coding-DNA position 796, C replaced by T.
Protein change: p.Arg266Ter; replaces arginine 266 with a stop codon.
Molecular consequence: nonsense.
Genome position (GRCh38, 1-based): chr3:189,866,711, C>T. VCF-style: chr3-189866711-C-T. GRCh37 (hg19) VCF-style: chr3-189584500-C-T.
Other names: c.796C>T, p.Arg266Ter (NM_001114978.2, NM_001114979.2, NM_001329144.2 and 1 more transcripts); c.514C>T, p.Arg172Ter (NM_001114980.2, NM_001114981.2, NM_001114982.2 and 2 more transcripts); c.259C>T, p.Arg87Ter (NM_001329146.2, NM_001329150.2); c.790C>T, p.Arg264Ter (NM_001329964.2); short protein forms R172*, R264*, R266*, R87*.
Identifiers: ClinVar variation 1018494 (VCV001018494.4), dbSNP rs747009931, ClinGen allele CA355754413.

ClinVar aggregate classification (germline): Pathogenic (1 of 4 stars; one submission).

Conditions:
TP63-Related Spectrum Disorders.

Submission:

Labcorp Genetics (formerly Invitae), Labcorp
Classification: Pathogenic. Last evaluated: 2024-07-04. Review status: criteria provided, single submitter. Criteria: Invitae Variant Classification Sherloc (09022015). Collection method: clinical testing. Allele origin: germline.
Comment: This sequence change creates a premature translational stop signal (p.Arg266*) in the TP63 gene. It is expected to result in an absent or disrupted protein product. Loss-of-function variants in TP63 are known to be pathogenic (PMID: 18626511, 23463580). This variant is not present in population databases (gnomAD no frequency). This premature translational stop signal has been observed in individual(s) with clinical features of TP63-related conditions (Invitae). ClinVar contains an entry for this variant (Variation ID: 1018494). For these reasons, this variant has been classified as Pathogenic.

Literature cited by the submitters: PubMed 18626511; PubMed 23463580.